The following is an entry in ClinVar:

NM_000400.4(ERCC2):c.2000C>T (p.Ala667Val)

Gene: ERCC2 (ERCC excision repair 2, TFIIH core complex helicase subunit; minus strand). Cytogenetic location: 19q13.32.
Variant type: single nucleotide variant.
Coding change: c.2000C>T on transcript NM_000400.4 (MANE Select); coding-DNA position 2000, C replaced by T.
Protein change: p.Ala667Val; replaces alanine 667 with valine.
Molecular consequence: missense variant.
Genome position (GRCh38, 1-based): chr19:45,352,552, G>A on the plus strand (C>T on the coding strand, the complement: ERCC2 is on the minus strand). VCF-style: chr19-45352552-G-A. GRCh37 (hg19) VCF-style: chr19-45855810-G-A.
Other names: short protein forms A667V.
Identifiers: ClinVar variation 3231669 (VCV003231669.1), dbSNP rs2513999246, ClinGen allele CA406363015.
Genomic context (GRCh38, chr19:45,352,552, plus strand): 5'-CCCTGAAGCTGCACCTTGTCGGCAAAGACCATGAGGCCGTAGTCCGTCTTGCCCCTGATG[G>A]CCCGACCCACACACTGGGCCGCGTGGCGCATGGCATCGAAGGTAAGAAAGTCATTCTCAC-3'
Protein context (NP_000391.1, residues 657-677): MRHAAQCVGR[Ala667Val]IRGKTDYGLM

ClinVar aggregate classification (germline): Uncertain significance (1 of 4 stars; one submission).

Conditions:
Inborn genetic diseases. Identifiers: MedGen C0950123, MeSH D030342.

Submission:

Ambry Genetics
Classification: Uncertain significance for Inborn genetic diseases. Last evaluated: 2023-12-16. Review status: criteria provided, single submitter. Criteria: Ambry Variant Classification Scheme 2023. Collection method: clinical testing. Allele origin: germline.
Comment: The p.A667V variant (also known as c.2000C>T), located in coding exon 21 of the ERCC2 gene, results from a C to T substitution at nucleotide position 2000. The alanine at codon 667 is replaced by valine, an amino acid with similar properties. This amino acid position is conserved. In addition, the in silico prediction for this alteration is inconclusive. Since supporting evidence is limited at this time, the clinical significance of this alteration remains unclear.